The following is an entry in ClinVar:

ClinVar aggregate classification (germline): Uncertain significance (1 of 4 stars; one submission).

Allele frequency attached by ClinVar (database versions not stated): gnomAD exomes below 0.00001; ExAC 0.00001.
gnomAD v4.1: 1 of 1,614,032 alleles (0.000062%); highest among the groups gnomAD compares: Admixed American, 0.0017%; no homozygotes.

Submission:

Labcorp Genetics (formerly Invitae), Labcorp
Classification: Uncertain significance. Last evaluated: 2023-09-01. Review status: criteria provided, single submitter. Criteria: Invitae Variant Classification Sherloc (09022015). Collection method: clinical testing. Allele origin: germline.
Comment: This sequence change replaces threonine, which is neutral and polar, with serine, which is neutral and polar, at codon 1060 of the ADGRA3 protein (p.Thr1060Ser). This variant is present in population databases (rs766671772, gnomAD 0.003%). This variant has not been reported in the literature in individuals affected with ADGRA3-related conditions. An algorithm developed to predict the effect of missense changes on protein structure and function (PolyPhen-2) suggests that this variant is likely to be tolerated. In summary, the available evidence is currently insufficient to determine the role of this variant in disease. Therefore, it has been classified as a Variant of Uncertain Significance.

NM_145290.4(ADGRA3):c.3178A>T (p.Thr1060Ser)

Gene: ADGRA3 (adhesion G protein-coupled receptor A3; minus strand). Cytogenetic location: 4p15.2.
Variant type: single nucleotide variant.
Coding change: c.3178A>T on transcript NM_145290.4 (MANE Select); coding-DNA position 3178, A replaced by T.
Protein change: p.Thr1060Ser; replaces threonine 1060 with serine.
Molecular consequence: missense variant.
Genome position (GRCh38, 1-based): chr4:22,388,493, T>A on the plus strand (A>T on the coding strand, the complement: ADGRA3 is on the minus strand). VCF-style: chr4-22388493-T-A. GRCh37 (hg19) VCF-style: chr4-22390116-T-A.
Other names: short protein forms T1060S.
Identifiers: ClinVar variation 2756347 (VCV002756347.3), dbSNP rs766671772, ClinGen allele CA2873433.